The following is an entry in ClinVar:

NM_001365618.1(LZTS3):c.459+3C>G

Gene: LZTS3 (leucine zipper tumor suppressor family member 3; minus strand). Cytogenetic location: 20p13.
Variant type: single nucleotide variant.
Coding change: c.459+3C>G on transcript NM_001365618.1 (MANE Select); 3 bases into the intron after coding-DNA position 459, C replaced by G.
Molecular consequence: intron variant.
Genome position (GRCh38, 1-based): chr20:3,166,702, G>C on the plus strand (C>G on the coding strand, the complement: LZTS3 is on the minus strand). VCF-style: chr20-3166702-G-C. GRCh37 (hg19) VCF-style: chr20-3147348-G-C.
Other names: c.549+3C>G (NM_001367609.1, NM_001388192.1); c.459+3C>G (NM_001388190.1, NM_001282533.2, NM_001388191.1 and 2 more transcripts).
Identifiers: ClinVar variation 2652166 (VCV002652166.24), dbSNP rs2066827478, ClinGen allele CA2346445041.

ClinVar aggregate classification (germline): Uncertain significance (1 of 4 stars; one submission).

Allele frequency attached by ClinVar (database versions not stated): gnomAD exomes below 0.00001; TOPMed below 0.00001.

Submission:

CeGaT Center for Human Genetics Tuebingen
Classification: Uncertain significance. Last evaluated: 2023-07-01. Review status: criteria provided, single submitter. Criteria: CeGaT Center For Human Genetics Tuebingen Variant Classification Criteria Version 2. Collection method: clinical testing. Allele origin: germline. Affected: yes. Observed: 1 variant allele.
Comment: LZTS3: PM2